The following is an entry in ClinVar:

ClinVar aggregate classification (germline): Uncertain significance (1 of 4 stars; one submission).

Allele frequency attached by ClinVar (database versions not stated): gnomAD exomes 0.00001; ExAC 0.00002.
gnomAD v4.1: 10 of 1,614,212 alleles (0.00062%); highest among the groups gnomAD compares: Non-Finnish European, 0.00085%; no homozygotes.

Submission:

Labcorp Genetics (formerly Invitae), Labcorp
Classification: Uncertain significance. Last evaluated: 2021-04-17. Review status: criteria provided, single submitter. Criteria: Invitae Variant Classification Sherloc (09022015). Collection method: clinical testing. Allele origin: germline.
Comment: Algorithms developed to predict the effect of missense changes on protein structure and function are either unavailable or do not agree on the potential impact of this missense change (SIFT: "Deleterious"; PolyPhen-2: "Possibly Damaging"; Align-GVGD: "Class C0"). This variant has not been reported in the literature in individuals with PPP2R1A-related conditions. This variant is present in population databases (rs746735616, ExAC 0.003%). This sequence change replaces tyrosine with histidine at codon 456 of the PPP2R1A protein (p.Tyr456His). The tyrosine residue is highly conserved and there is a moderate physicochemical difference between tyrosine and histidine. In summary, the available evidence is currently insufficient to determine the role of this variant in disease. Therefore, it has been classified as a Variant of Uncertain Significance.

NM_014225.6(PPP2R1A):c.1366T>C (p.Tyr456His)

Gene: PPP2R1A (protein phosphatase 2 scaffold subunit Aalpha; plus strand). Cytogenetic location: 19q13.41.
Variant type: single nucleotide variant.
Coding change: c.1366T>C on transcript NM_014225.6 (MANE Select); coding-DNA position 1366, T replaced by C.
Protein change: p.Tyr456His; replaces tyrosine 456 with histidine.
Molecular consequence: missense variant. On other transcripts: non-coding transcript variant (1).
Genome position (GRCh38, 1-based): chr19:52,220,981, T>C. VCF-style: chr19-52220981-T-C. GRCh37 (hg19) VCF-style: chr19-52724234-T-C.
Other names: c.829T>C, p.Tyr277His (NM_001363656.2); short protein forms Y456H, Y277H.
Identifiers: ClinVar variation 1460733 (VCV001460733.8), dbSNP rs746735616, ClinGen allele CA9621590.